The following is an entry in ClinVar:

ClinVar aggregate classification (germline): Pathogenic. Review status: reviewed by expert panel (3 of 4 stars). 4 submissions from 4 submitters: Pathogenic (1). 3 of the submissions do not count toward it. Last evaluated 2016-09-08.

Conditions:
Hereditary cancer-predisposing syndrome. Also called: Neoplastic Syndromes, Hereditary; Tumor predisposition; Hereditary neoplastic syndrome; Hereditary Cancer Syndrome. Identifiers: Orphanet 140162, MedGen C0027672, MeSH D009386, MONDO:0015356.
Hereditary breast ovarian cancer syndrome. Also called: Hereditary breast and ovarian cancer syndrome; Hereditary breast and ovarian cancer; Hereditary breast and ovarian cancer syndrome (HBOC); Breast and ovarian cancer; Hereditary breast and/or ovarian cancer syndrome; BRCA1- and BRCA2-Associated Hereditary Breast and Ovarian Cancer. Identifiers: Orphanet 145, MedGen C0677776, MeSH D061325, MONDO:0003582. Disease mechanism: loss of function.
Breast-ovarian cancer, familial, susceptibility to, 2 (BROVCA2). Also called: BRCA2 Hereditary Breast and Ovarian Cancer. Identifiers: Orphanet 145, MedGen C2675520, MONDO:0012933, OMIM 612555. Disease mechanism: loss of function.

Submissions (4):

Evidence-based Network for the Interpretation of Germline Mutant Alleles (ENIGMA)
Classification: Pathogenic for Breast-ovarian cancer, familial, susceptibility to, 2. Last evaluated: 2016-09-08. Review status: reviewed by expert panel. Criteria: ENIGMA BRCA1/2 Classification Criteria (2015). Collection method: curation. Allele origin: germline.
Comment: Variant allele predicted to encode a truncated non-functional protein.

Ambry Genetics
Classification: Pathogenic for Hereditary cancer-predisposing syndrome. Last evaluated: 2025-08-20. Review status: criteria provided, single submitter. Criteria: Ambry Variant Classification Scheme 2023. Collection method: clinical testing. Allele origin: germline. Not counted in ClinVar's aggregate classification.
Comment: The c.9537dupG pathogenic mutation, located in coding exon 25 of the BRCA2 gene, results from a duplication of G at nucleotide position 9537, causing a translational frameshift with a predicted alternate stop codon (p.L3180Afs*9). This variant is considered to be rare based on population cohorts in the Genome Aggregation Database (gnomAD). This alteration is expected to result in loss of function by premature protein truncation or nonsense-mediated mRNA decay. As such, this alteration is interpreted as a disease-causing mutation.

Labcorp Genetics (formerly Invitae), Labcorp
Classification: Pathogenic for Hereditary breast ovarian cancer syndrome. Last evaluated: 2021-07-19. Review status: criteria provided, single submitter. Criteria: Invitae Variant Classification Sherloc (09022015). Collection method: clinical testing. Allele origin: germline. Not counted in ClinVar's aggregate classification.
Comment: This sequence change creates a premature translational stop signal (p.Leu3180Alafs*9) in the BRCA2 gene. It is expected to result in an absent or disrupted protein product. This variant is not present in population databases (ExAC no frequency). This variant has been observed in an individual with breast and/or ovarian cancer (PMID: 16683254). ClinVar contains an entry for this variant (Variation ID: 52864). Loss-of-function variants in BRCA2 are known to be pathogenic (PMID: 20104584). For these reasons, this variant has been classified as Pathogenic.

Consortium of Investigators of Modifiers of BRCA1/2 (CIMBA), c/o University of Cambridge
Classification: Pathogenic for Breast-ovarian cancer, familial, susceptibility to, 2. Last evaluated: 2015-10-02. Review status: criteria provided, single submitter. Criteria: CIMBA Mutation Classification guidelines May 2016. Collection method: clinical testing. Allele origin: germline. Not counted in ClinVar's aggregate classification.

Literature cited by the submitters: PubMed 16683254 (cited by Labcorp Genetics (formerly Invitae), Labcorp); PubMed 20104584 (cited by Labcorp Genetics (formerly Invitae), Labcorp).

NM_000059.4(BRCA2):c.9537dup (p.Leu3180fs)

Gene: BRCA2 (BRCA2 DNA repair associated; plus strand). Cytogenetic location: 13q13.1.
Variant type: Duplication.
Coding change: c.9537dup on transcript NM_000059.4 (MANE Select); coding-DNA position 9537, one base duplicated (G; older notation c.9537dupG).
Protein change: p.Leu3180fs; shifts the reading frame from leucine 3180.
Molecular consequence: frameshift variant.
Genome position (GRCh38, 1-based): chr13:32,396,933, G duplicated. VCF-style (leftmost placement, unchanged base first): chr13-32396932-A-AG. GRCh37 (hg19) VCF-style: chr13-32971069-A-AG.
Other names: c.9537dupG (NM_000059.3); short protein forms L3180fs.
Identifiers: ClinVar variation 52864 (VCV000052864.15), dbSNP rs397508061, ClinGen allele CA026201.